The following is an entry in ClinVar:

ClinVar aggregate classification (germline): Pathogenic (1 of 4 stars; one submission).

Conditions:
Glycogen storage disease type III (GSD3). Also called: Cori disease; FORBES DISEASE. Identifiers: Orphanet 366, MedGen C0017922, MONDO:0009291, OMIM 232400.

Submission:

Labcorp Genetics (formerly Invitae), Labcorp
Classification: Pathogenic for Glycogen storage disease type III. Last evaluated: 2020-01-30. Review status: criteria provided, single submitter. Criteria: Invitae Variant Classification Sherloc (09022015). Collection method: clinical testing. Allele origin: germline.
Comment: For these reasons, this variant has been classified as Pathogenic. Loss-of-function variants in AGL are known to be pathogenic (PMID: 19299494). This variant has not been reported in the literature in individuals with AGL-related conditions. This variant is not present in population databases (ExAC no frequency). This sequence change creates a premature translational stop signal (p.Asp110Thrfs*24) in the AGL gene. It is expected to result in an absent or disrupted protein product.

Literature cited by the submitters: PubMed 19299494.

NM_000642.3(AGL):c.328del (p.Asp110fs)

Gene: AGL (amylo-alpha-1,6-glucosidase and 4-alpha-glucanotransferase; plus strand). Cytogenetic location: 1p21.2.
Variant type: Deletion.
Coding change: c.328del on transcript NM_000642.3 (MANE Select); coding-DNA position 328, one base deleted (G; older notation c.328delG).
Protein change: p.Asp110fs; shifts the reading frame from aspartic acid 110.
Molecular consequence: frameshift variant.
Genome position (GRCh38, 1-based): chr1:99,862,291, G deleted; the last of 2 consecutive G bases (chr1:99,862,290-99,862,291); deleting either gives the same sequence. VCF-style (leftmost placement, unchanged base first): chr1-99862289-TG-T. GRCh37 (hg19) VCF-style: chr1-100327845-TG-T.
Other names: c.328delG, p.Asp110Thrfs (NM_000028.3, NM_000643.3, NM_000644.3 and 5 more transcripts); c.280delG, p.Asp94Thrfs (NM_000646.3); short protein forms D110fs, D94fs.
Identifiers: ClinVar variation 1070173 (VCV001070173.7), dbSNP rs2101087046, ClinGen allele CA2499214912.